The following is an entry in ClinVar:

ClinVar aggregate classification (germline): Likely benign. Review status: criteria provided, multiple submitters, no conflicts (2 of 4 stars). 3 submissions from 3 submitters: Likely benign (3). Last evaluated 2025-08-17.

Conditions:
Episodic ataxia type 1 (EA1). Also called: ATAXIA, EPISODIC, WITH MYOKYMIA; Episodic ataxia/myokymia syndrome; MYOKYMIA WITH PERIODIC ATAXIA; PAROXYSMAL ATAXIA WITH NEUROMYOTONIA, HEREDITARY. Identifiers: Orphanet 37612, Orphanet 972, MedGen C1719788, MONDO:0008047, OMIM 160120.

Allele frequency attached by ClinVar (database versions not stated): ExAC 0.00001; gnomAD 0.00001; TOPMed 0.00002.
gnomAD v4.1: 37 of 1,612,728 alleles (0.0023%); highest among the groups gnomAD compares: Admixed American, 0.01%; no homozygotes.

Submissions (3):

Labcorp Genetics (formerly Invitae), Labcorp
Classification: Likely benign for Episodic ataxia type 1. Last evaluated: 2025-08-17. Review status: criteria provided, single submitter. Criteria: Invitae Variant Classification Sherloc (09022015). Collection method: clinical testing. Allele origin: germline.

CeGaT Center for Human Genetics Tuebingen
Classification: Likely benign. Last evaluated: 2025-04-01. Review status: criteria provided, single submitter. Criteria: CeGaT Center For Human Genetics Tuebingen Variant Classification Criteria Version 2. Collection method: clinical testing. Allele origin: germline. Affected: yes. Observed: 1 variant allele.
Comment: KCNA1: BP4, BP7

Blueprint Genetics
Classification: Likely benign. Last evaluated: 2021-06-10. Review status: criteria provided, single submitter. Criteria: ACMG Guidelines, 2015. Collection method: clinical testing. Allele origin: germline.

NM_000217.3(KCNA1):c.18G>C (p.Gly6=)

Genes: KCNA1 (potassium voltage-gated channel subfamily A member 1; plus strand), LOC130007218 (ATAC-STARR-seq lymphoblastoid silent region 4155; plus strand). Cytogenetic location: 12p13.32.
Variant type: single nucleotide variant.
Coding change: c.18G>C on transcript NM_000217.3 (MANE Select); coding-DNA position 18, G replaced by C.
Protein change: p.Gly6=; no amino-acid change (glycine 6 retained).
Molecular consequence: synonymous variant.
Genome position (GRCh38, 1-based): chr12:4,911,396, G>C. VCF-style: chr12-4911396-G-C. GRCh37 (hg19) VCF-style: chr12-5020562-G-C.
Identifiers: ClinVar variation 1159155 (VCV001159155.17), dbSNP rs766476165, ClinGen allele CA6399327.
Genomic context (GRCh38, chr12:4,911,396, plus strand): 5'-CGGGCTCTCTCCTGGCCTCCCACCCCCGCGCCCGGCTTCCACCATGACGGTGATGTCTGG[G>C]GAGAACGTGGACGAGGCTTCGGCCGCCCCGGGCCACCCCCAGGATGGCAGCTACCCCCGG-3'
Protein context (NP_000208.2, residues 1-16): MTVMS[Gly6=]ENVDEASAAP